The following is an entry in ClinVar:

ClinVar aggregate classification (germline): Uncertain significance (1 of 4 stars; one submission).

Submission:

Labcorp Genetics (formerly Invitae), Labcorp
Classification: Uncertain significance. Last evaluated: 2025-06-27. Review status: criteria provided, single submitter. Criteria: Invitae Variant Classification Sherloc (09022015). Collection method: clinical testing. Allele origin: germline.
Comment: This sequence change falls in intron 19 of the CLTC gene. It does not directly change the encoded amino acid sequence of the CLTC protein. It affects a nucleotide within the consensus splice site. This variant is not present in population databases (gnomAD no frequency). This variant has not been reported in the literature in individuals affected with CLTC-related conditions. Variants that disrupt the consensus splice site are a relatively common cause of aberrant splicing (PMID: 17576681, 9536098). Algorithms developed to predict the effect of sequence changes on RNA splicing suggest that this variant is not likely to affect RNA splicing. In summary, the available evidence is currently insufficient to determine the role of this variant in disease. Therefore, it has been classified as a Variant of Uncertain Significance.

Literature cited by the submitters: PubMed 17576681; PubMed 9536098.

NM_004859.4(CLTC):c.3065+3A>G

Gene: CLTC (clathrin heavy chain; plus strand). Cytogenetic location: 17q23.1.
Variant type: single nucleotide variant.
Coding change: c.3065+3A>G on transcript NM_004859.4 (MANE Select); 3 bases into the intron after coding-DNA position 3065, A replaced by G.
Molecular consequence: intron variant.
Genome position (GRCh38, 1-based): chr17:59,681,060, A>G. VCF-style: chr17-59681060-A-G. GRCh37 (hg19) VCF-style: chr17-57758421-A-G.
Other names: c.3077+3A>G (NM_001288653.2).
Identifiers: ClinVar variation 4722242 (VCV004722242.1).